The following is an entry in ClinVar:

ClinVar aggregate classification (germline): Uncertain significance (1 of 4 stars; one submission).

Conditions:
Pseudohypoaldosteronism type 2C (PHA2C). Also called: Pseudohypoaldosteronism Type IIC. Identifiers: Orphanet 757, Orphanet 88940, MedGen C1840391, MONDO:0013778, OMIM 614492.
Neuropathy, hereditary sensory and autonomic, type 2A (HSAN2A). Also called: ACROOSTEOLYSIS, GIACCAI TYPE; ACROOSTEOLYSIS, NEUROGENIC; MORVAN DISEASE; NEUROPATHY, CONGENITAL SENSORY; NEUROPATHY, HEREDITARY SENSORY RADICULAR, AUTOSOMAL RECESSIVE; NEUROPATHY, HEREDITARY SENSORY, TYPE IIA. Identifiers: Orphanet 970, MedGen C2752089, MONDO:0024309, OMIM 201300.

Allele frequency attached by ClinVar (database versions not stated): gnomAD exomes below 0.00001.
gnomAD v4.1: 3 of 1,613,962 alleles (0.00019%); highest among the groups gnomAD compares: South Asian, 0.0011%; no homozygotes.

Submission:

Labcorp Genetics (formerly Invitae), Labcorp
Classification: Uncertain significance for Neuropathy, hereditary sensory and autonomic, type 2A; Pseudohypoaldosteronism type 2C. Last evaluated: 2022-08-23. Review status: criteria provided, single submitter. Criteria: Invitae Variant Classification Sherloc (09022015). Collection method: clinical testing. Allele origin: germline.
Comment: In summary, the available evidence is currently insufficient to determine the role of this variant in disease. Therefore, it has been classified as a Variant of Uncertain Significance. Advanced modeling of protein sequence and biophysical properties (such as structural, functional, and spatial information, amino acid conservation, physicochemical variation, residue mobility, and thermodynamic stability) performed at Invitae indicates that this missense variant is not expected to disrupt WNK1 protein function. ClinVar contains an entry for this variant (Variation ID: 1004611). This variant has not been reported in the literature in individuals affected with WNK1-related conditions. This variant is not present in population databases (gnomAD no frequency). This sequence change replaces glycine, which is neutral and non-polar, with aspartic acid, which is acidic and polar, at codon 612 of the WNK1 protein (p.Gly612Asp).

NM_018979.4(WNK1):c.1835G>A (p.Gly612Asp)

Gene: WNK1 (WNK lysine deficient protein kinase 1; plus strand). Cytogenetic location: 12p13.33.
Variant type: single nucleotide variant.
Coding change: c.1835G>A on transcript NM_018979.4 (MANE Select); coding-DNA position 1835, G replaced by A.
Protein change: p.Gly612Asp; replaces glycine 612 with aspartic acid.
Molecular consequence: missense variant.
Genome position (GRCh38, 1-based): chr12:861,227, G>A. VCF-style: chr12-861227-G-A. GRCh37 (hg19) VCF-style: chr12-970393-G-A.
Other names: c.1835G>A, p.Gly612Asp (NM_001184985.2, NM_014823.3, NM_213655.5); short protein forms G612D.
Identifiers: ClinVar variation 1004611 (VCV001004611.8), dbSNP rs1951197079, ClinGen allele CA383335465.